The following is an entry in ClinVar:

ClinVar aggregate classification (germline): Uncertain significance. Review status: criteria provided, multiple submitters, no conflicts (2 of 4 stars). 2 submissions from 2 submitters: Uncertain significance (2). Last evaluated 2025-12-22.

Conditions:
Charcot-Marie-Tooth disease type 2. Also called: Charcot-Marie-Tooth type 2. Identifiers: Orphanet 64746, MedGen C0270914, MONDO:0018993.

Allele frequency attached by ClinVar (database versions not stated): gnomAD 0.00002; TOPMed 0.00003.

Submissions (2):

Labcorp Genetics (formerly Invitae), Labcorp
Classification: Uncertain significance for Charcot-Marie-Tooth disease type 2. Last evaluated: 2025-12-22. Review status: criteria provided, single submitter. Criteria: Invitae Variant Classification Sherloc (09022015). Collection method: clinical testing. Allele origin: germline.
Comment: This sequence change replaces arginine, which is basic and polar, with tryptophan, which is neutral and slightly polar, at codon 538 of the KIF1B protein (p.Arg538Trp). This variant is not present in population databases (gnomAD no frequency). This variant has not been reported in the literature in individuals affected with KIF1B-related conditions. ClinVar contains an entry for this variant (Variation ID: 1776420). Invitae Evidence Modeling of protein sequence and biophysical properties (such as structural, functional, and spatial information, amino acid conservation, physicochemical variation, residue mobility, and thermodynamic stability) indicates that this missense variant is not expected to disrupt KIF1B protein function with a negative predictive value of 80%. In summary, the available evidence is currently insufficient to determine the role of this variant in disease. Therefore, it has been classified as a Variant of Uncertain Significance.

Ambry Genetics
Classification: Uncertain significance. Last evaluated: 2025-08-01. Review status: criteria provided, single submitter. Criteria: Ambry Variant Classification Scheme 2023. Collection method: clinical testing. Allele origin: germline.
Comment: The p.R538W variant (also known as c.1612C>T), located in coding exon 16 of the KIF1B gene, results from a C to T substitution at nucleotide position 1612. The arginine at codon 538 is replaced by tryptophan, an amino acid with dissimilar properties. This amino acid position is well conserved in available vertebrate species. In addition, this alteration is predicted to be deleterious by in silico analysis. The evidence for this gene-disease relationship is limited; therefore, the clinical significance of this alteration is unclear.

NM_001365951.3(KIF1B):c.1750C>T (p.Arg584Trp)

Gene: KIF1B (kinesin family member 1B; plus strand). Cytogenetic location: 1p36.22.
Variant type: single nucleotide variant.
Coding change: c.1750C>T on transcript NM_001365951.3 (MANE Select); coding-DNA position 1750, C replaced by T.
Protein change: p.Arg584Trp; replaces arginine 584 with tryptophan.
Molecular consequence: missense variant.
Genome position (GRCh38, 1-based): chr1:10,295,739, C>T. VCF-style: chr1-10295739-C-T. GRCh37 (hg19) VCF-style: chr1-10355797-C-T.
Other names: c.1750C>T, p.Arg584Trp (NM_001365952.1); c.1612C>T, p.Arg538Trp (NM_001365953.1, NM_015074.3, NM_183416.4); short protein forms R538W, R584W.
Identifiers: ClinVar variation 1776420 (VCV001776420.5), dbSNP rs897688174, ClinGen allele CA17812978.